The following is an entry in ClinVar:

NM_001966.4(EHHADH):c.1006G>A (p.Ala336Thr)

Gene: EHHADH (enoyl-CoA hydratase and 3-hydroxyacyl CoA dehydrogenase; minus strand). Cytogenetic location: 3q27.2.
Variant type: single nucleotide variant.
Coding change: c.1006G>A on transcript NM_001966.4 (MANE Select); coding-DNA position 1006, G replaced by A.
Protein change: p.Ala336Thr; replaces alanine 336 with threonine.
Molecular consequence: missense variant.
Genome position (GRCh38, 1-based): chr3:185,193,392, C>T on the plus strand (G>A on the coding strand, the complement: EHHADH is on the minus strand). VCF-style: chr3-185193392-C-T. GRCh37 (hg19) VCF-style: chr3-184911180-C-T.
Other names: c.718G>A, p.Ala240Thr (NM_001166415.2); short protein forms A336T, A240T.
Identifiers: ClinVar variation 593909 (VCV000593909.13), dbSNP rs146431168, ClinGen allele CA2739059.

ClinVar aggregate classification (germline): Conflicting classifications of pathogenicity. Review status: criteria provided, conflicting classifications (1 of 4 stars). 4 submissions from 4 submitters: Uncertain significance (1); Likely benign (2). 1 of the submissions does not count toward it. Last evaluated 2024-11-11.

Conditions:
EHHADH-related disorder. Also called: EHHADH-related condition.

Allele frequency attached by ClinVar (database versions not stated): gnomAD 0.00053 and 0.00059; TOPMed 0.00058; gnomAD exomes 0.00061 and 0.00100; ExAC 0.00067; ESP Exome Variant Server 0.00077.
gnomAD v4.1: 1,527 of 1,614,070 alleles (0.095%); highest among the groups gnomAD compares: Non-Finnish European, 0.12%; 2 homozygotes.

Submissions (4):

Blueprint Genetics
Classification: Likely benign. Last evaluated: 2024-11-11. Review status: criteria provided, single submitter. Criteria: ACMG Guidelines, 2015. Collection method: clinical testing. Allele origin: germline.

Labcorp Genetics (formerly Invitae), Labcorp
Classification: Likely benign. Last evaluated: 2019-12-31. Review status: criteria provided, single submitter. Criteria: Invitae Variant Classification Sherloc (09022015). Collection method: clinical testing. Allele origin: germline.

Eurofins Ntd Llc (ga)
Classification: Uncertain significance. Last evaluated: 2018-05-11. Review status: criteria provided, single submitter. Criteria: EGL ClinVar v180209 classification definitions. Collection method: clinical testing. Allele origin: germline. Observed: 3 variant alleles, 3 heterozygotes.

PreventionGenetics, part of Exact Sciences
Classification: Likely benign for EHHADH-related condition. Last evaluated: 2022-03-18. Review status: no assertion criteria provided. Collection method: clinical testing. Allele origin: germline. Not counted in ClinVar's aggregate classification.
Comment: This variant is classified as likely benign based on ACMG/AMP sequence variant interpretation guidelines (Richards et al. 2015 PMID: 25741868, with internal and published modifications).